The following is an entry in ClinVar:

ClinVar aggregate classification (germline): Uncertain significance (1 of 4 stars; one submission).

Conditions:
TTN-related disorder. Also called: TTN-related disorders; TTN-related condition; TTN-related disease.

Submission:

PreventionGenetics, part of Exact Sciences
Classification: Uncertain significance for TTN-related condition. Last evaluated: 2025-06-27. Review status: criteria provided, single submitter. Criteria: ACMG Guidelines, 2015. Collection method: clinical testing. Allele origin: germline.
Comment: The TTN c.14406G>C variant is predicted to result in the amino acid substitution p.Lys4802Asn. To our knowledge, this variant has not been reported in the literature or in a large population database (gnomAD), indicating this variant is rare. At this time, the clinical significance of this variant is uncertain due to the absence of conclusive functional and genetic evidence.

NM_001267550.2(TTN):c.14406G>C (p.Lys4802Asn)

Gene: TTN (titin; minus strand). Cytogenetic location: 2q31.2.
Variant type: single nucleotide variant.
Coding change: c.14406G>C on transcript NM_001267550.2 (MANE Select); coding-DNA position 14406, G replaced by C.
Protein change: p.Lys4802Asn; replaces lysine 4802 with asparagine.
Molecular consequence: missense variant. On other transcripts: intron variant (3).
Genome position (GRCh38, 1-based): chr2:178,736,040, C>G on the plus strand (G>C on the coding strand, the complement: TTN is on the minus strand). VCF-style: chr2-178736040-C-G. GRCh37 (hg19) VCF-style: chr2-179600767-C-G.
Other names: c.13455G>C, p.Lys4485Asn (NM_001256850.1); c.10674G>C, p.Lys3558Asn (NM_133378.4); c.13282+2042G>C (NM_003319.4); c.13858+2042G>C (NM_133437.4); c.13657+2042G>C (NM_133432.3); short protein forms K3558N, K4802N, K4485N.
Identifiers: ClinVar variation 4986796 (VCV004986796.1).